The following is an entry in ClinVar:

ClinVar aggregate classification (germline): Pathogenic. Review status: criteria provided, multiple submitters, no conflicts (2 of 4 stars). 10 submissions from 10 submitters: Pathogenic (8). 2 of the submissions do not count toward it. Last evaluated 2025-01-30.

Conditions:
POLG-related disorder. Also called: POLG-Related Spectrum Disorders; POLG-related condition; POLG-Related Disorders. Identifiers: MedGen C4763519.
Sensory ataxic neuropathy, dysarthria, and ophthalmoparesis (SANDO). Also called: Epilepsy, progressive myoclonic, type 5; Sensory ataxic neuropathy-dysarthria-ophthalmoparesis syndrome; Ataxia Neuropathy Spectrum (ANS); SENSORY ATAXIC NEUROPATHY WITH MITOCHONDRIAL DNA DELETIONS, AUTOSOMAL RECESSIVE. Identifiers: Orphanet 70595, MedGen C1843851, MONDO:0011835, OMIM 607459.
Progressive external ophthalmoplegia with mitochondrial DNA deletions, autosomal dominant 1 (PEOA1). Also called: Autosomal Dominant Progressive External Ophthalmoplegia (adPEO); PROGRESSIVE EXTERNAL OPHTHALMOPLEGIA, AUTOSOMAL DOMINANT 1. Identifiers: MedGen C1834846, MONDO:0024528, OMIM 157640.
Progressive sclerosing poliodystrophy (MTDPS4A). Also called: Alpers-Huttenlocher Syndrome (AHS); ALPERS PROGRESSIVE INFANTILE POLIODYSTROPHY; NEURONAL DEGENERATION OF CHILDHOOD WITH LIVER DISEASE, PROGRESSIVE; ALPERS DIFFUSE DEGENERATION OF CEREBRAL GRAY MATTER WITH HEPATIC CIRRHOSIS; Mitochondrial DNA depletion syndrome 4A (Alpers type); Alpers-Huttenlocher Syndrome. Identifiers: Orphanet 726, MedGen C0205710, MONDO:0008758, OMIM 203700.
Mitochondrial DNA depletion syndrome 4b. Also called: MNGIE, POLG-RELATED; Mitochondrial Neurogastrointestinal Encephalopathy Disease, POLG-Related. Identifiers: Orphanet 298, MedGen C3150914, MONDO:0013350, OMIM 613662.
Progressive external ophthalmoplegia with mitochondrial DNA deletions, autosomal recessive 1 (PEOB1). Also called: Autosomal Recessive Progressive External Ophthalmoplegia (arPEO); Progressive external ophthalmoplegia, autosomal recessive 1. Identifiers: Orphanet 254886, MedGen C4225153, MONDO:0009783, OMIM 258450.
Neonatal seizure. Also called: neonatal seizures. Identifiers: MedGen C0159020, HP:0032807.

Allele frequency attached by ClinVar (database versions not stated): gnomAD 0.00001; TOPMed 0.00001; gnomAD exomes 0.00002; ExAC 0.00003.

Submissions (10):

Labcorp Genetics (formerly Invitae), Labcorp
Classification: Pathogenic for Progressive sclerosing poliodystrophy. Last evaluated: 2025-01-30. Review status: criteria provided, single submitter. Criteria: Invitae Variant Classification Sherloc (09022015). Collection method: clinical testing. Allele origin: germline.
Comment: This sequence change replaces arginine, which is basic and polar, with cysteine, which is neutral and slightly polar, at codon 807 of the POLG protein (p.Arg807Cys). This variant is present in population databases (rs769827124, gnomAD 0.02%). This missense change has been observed in individuals with autosomal recessive POLG-related disorders (PMID: 16919951, 21357833, 28471437). ClinVar contains an entry for this variant (Variation ID: 279982). Invitae Evidence Modeling of protein sequence and biophysical properties (such as structural, functional, and spatial information, amino acid conservation, physicochemical variation, residue mobility, and thermodynamic stability) indicates that this missense variant is expected to disrupt POLG protein function with a positive predictive value of 95%. Experimental studies have shown that this missense change affects POLG function (PMID: 20185557). This variant disrupts the p.Arg807 amino acid residue in POLG. Other variant(s) that disrupt this residue have been observed in individuals with POLG-related conditions (PMID: 14635118, 21880868, 28471437), which suggests that this may be a clinically significant amino acid residue. For these reasons, this variant has been classified as Pathogenic.

Fulgent Genetics
Classification: Pathogenic for Progressive external ophthalmoplegia with mitochondrial DNA deletions, autosomal dominant 1; Progressive sclerosing poliodystrophy; Progressive external ophthalmoplegia with mitochondrial DNA deletions, autosomal recessive 1; Sensory ataxic neuropathy, dysarthria, and ophthalmoparesis; Mitochondrial DNA depletion syndrome 4b. Last evaluated: 2024-02-10. Review status: criteria provided, single submitter. Criteria: ACMG Guidelines, 2015. Collection method: clinical testing. Allele origin: germline.

Baylor Genetics
Classification: Pathogenic for Progressive sclerosing poliodystrophy. Last evaluated: 2023-04-27. Review status: criteria provided, single submitter. Criteria: ACMG Guidelines, 2015. Collection method: clinical testing. Allele origin: unknown.

CeGaT Center for Human Genetics Tuebingen
Classification: Pathogenic. Last evaluated: 2023-04-01. Review status: criteria provided, single submitter. Criteria: CeGaT Center For Human Genetics Tuebingen Variant Classification Criteria Version 2. Collection method: clinical testing. Allele origin: germline. Affected: yes. Observed: 2 variant alleles.
Comment: POLG: PM1, PM2, PM3, PM5, PP3, PS3:Supporting

GeneDx
Classification: Pathogenic. Last evaluated: 2022-11-14. Review status: criteria provided, single submitter. Criteria: GeneDx Variant Classification Process June 2021. Collection method: clinical testing. Allele origin: germline. Affected: yes.
Comment: In silico analysis, which includes protein predictors and evolutionary conservation, supports a deleterious effect; This variant is associated with the following publications: (PMID: 21880868, 21550804, 16919951, 21357833, 20185557, 28471437, 29655203, 30423451, 33671400, 34179544, 33511646, 30936349, 34052969, 33600046)

Institute of Human Genetics, Cologne University
Classification: Pathogenic for Sensory ataxic neuropathy, dysarthria, and ophthalmoparesis. Last evaluated: 2020-09-30. Review status: criteria provided, single submitter. Criteria: ACMG Guidelines, 2015. Collection method: research. Allele origin: maternal. Affected: yes.

Wong Mito Lab, Molecular and Human Genetics, Baylor College of Medicine
Classification: Pathogenic for Progressive sclerosing poliodystrophy. Last evaluated: 2018-10-01. Review status: criteria provided, single submitter. Criteria: ACMG Guidelines, 2015. Collection method: clinical testing. Allele origin: germline.
Comment: The NM_002693.2:c.2419C>T (NP_002684.1:p.Arg807Cys) [GRCH38: NC_000015.10:g.89322749G>A] variant in POLG gene is interpretated to be a Pathogenic based on ACMG guidelines (PMID: 25741868). This variant has been reported in PMID:16919951 ; 21550804 . This variant meets the following evidence codes reported in the ACMG-guideline. PS1:This variation causes same amino-acid change as an established pathogenic variant. PS3:Well established functional studies show a deleterious effect on POLG. PM2:This variant is absent in key population databases. PM3:Detected in trans with a pathogenic variant for Mitochondrial DNA depletion syndrome 4A (Alpers type) which is a recessive disorder. PP1:This variant is co-segregated with Mitochondrial DNA depletion syndrome 4A (Alpers type) in multiple affected family members. PP4:Patient's phenotype or family history is highly specific for POLG. Based on the evidence criteria codes applied, the variant is suggested to be Pathogenic.

Genomic Research Center, Shahid Beheshti University of Medical Sciences
Classification: Pathogenic for Autosomal recessive progressive external ophthalmoplegia. Last evaluated: 2017-12-18. Review status: criteria provided, single submitter. Criteria: ACMG Guidelines, 2015. Collection method: clinical testing. Allele origin: inherited.

PreventionGenetics, part of Exact Sciences
Classification: Pathogenic for POLG-related condition. Last evaluated: 2024-09-27. Review status: no assertion criteria provided. Collection method: clinical testing. Allele origin: germline. Not counted in ClinVar's aggregate classification.
Comment: The POLG c.2419C>T variant is predicted to result in the amino acid substitution p.Arg807Cys. This variant has been reported in the heterozygous state in multiple individuals with epilepsy or proximal myopathy ptosis diplopia (Table S4, Lindy et al. 2018. PubMed ID: 29655203; Supplemental Table 4, Truty et al. 2019. PubMed ID: 31440721; Ferreira et al. 2011. PubMed ID: 21550804), along with a second POLG variant in multiple individuals with POLG deficiency disorders (see for example, Gago et al. 2006. PubMed ID: 16919951; Ferreira et al. 2011. PubMed ID: 21550804; Keller et al. 2021. PubMed ID: 33600046), and has appeared to segregate with POLG deficiency disorder in at least one family (Supplemental file 1, Hikmat et al. 2017. PubMed ID: 28471437). A functional in vivo study using budding yeast indicates that this variant decreases polymerase activity leading to reduced or depleted mtDNA resulting in mitochondrial disease (Stumpf et al. 2010. PubMed ID: 20185557). Alternate nucleotide changes affecting the same amino acid (p.Arg807Pro, p.Arg807His) have been reported in individuals affected with POLG deficiency disorders (Di Fonzo et al. 2003. PubMed ID: 14635118; Gago et al. 2006. PubMed ID: 16919951; Supplemental file 1, Hikmat et al. 2017. PubMed ID: 28471437). The c.2419C>T variant is reported in 0.016% of alleles in individuals of South Asian descent in gnomAD. This variant is interpreted as pathogenic.

Clinical Molecular Genetics Laboratory, Johns Hopkins All Children's Hospital
Classification: Uncertain significance for neonatal seizures. Last evaluated: 2017-06-15. Review status: flagged submission. Criteria: ACMG Guidelines, 2015. Collection method: clinical testing. Allele origin: germline. Affected: yes. Not counted in ClinVar's aggregate classification.
Comment: present with homozygous ALDH7A1 pathogenic variant
ClinVar note: Reason: Outlier claim with insufficient supporting evidence

Literature cited by the submitters: PubMed 16919951 (cited by Labcorp Genetics (formerly Invitae), Labcorp and Wong Mito Lab, Molecular and Human Genetics, Baylor College of Medicine); PubMed 21357833 (cited by Labcorp Genetics (formerly Invitae), Labcorp); PubMed 28471437 (cited by Labcorp Genetics (formerly Invitae), Labcorp); PubMed 20185557 (cited by Labcorp Genetics (formerly Invitae), Labcorp); PubMed 14635118 (cited by Labcorp Genetics (formerly Invitae), Labcorp); PubMed 21880868 (cited by Labcorp Genetics (formerly Invitae), Labcorp); PubMed 21550804 (cited by Wong Mito Lab, Molecular and Human Genetics, Baylor College of Medicine).

NM_002693.3(POLG):c.2419C>T (p.Arg807Cys)

Gene: POLG (DNA polymerase gamma, catalytic subunit; minus strand). Cytogenetic location: 15q26.1.
Variant type: single nucleotide variant.
Coding change: c.2419C>T on transcript NM_002693.3 (MANE Select); coding-DNA position 2419, C replaced by T.
Protein change: p.Arg807Cys; replaces arginine 807 with cysteine.
Molecular consequence: missense variant.
Genome position (GRCh38, 1-based): chr15:89,322,749, G>A on the plus strand (C>T on the coding strand, the complement: POLG is on the minus strand). VCF-style: chr15-89322749-G-A. GRCh37 (hg19) VCF-style: chr15-89865980-G-A.
Other names: c.2419C>T, p.Arg807Cys (NM_001126131.2); short protein forms R807C.
Identifiers: ClinVar variation 279982 (VCV000279982.52), dbSNP rs769827124, ClinGen allele CA7724495.